The following is an entry in ClinVar:

NM_000719.7(CACNA1C):c.317G>T (p.Cys106Phe)

Gene: CACNA1C (calcium voltage-gated channel subunit alpha1 C; plus strand). Cytogenetic location: 12p13.33.
Variant type: single nucleotide variant.
Coding change: c.317G>T on transcript NM_000719.7 (MANE Select); coding-DNA position 317, G replaced by T.
Protein change: p.Cys106Phe; replaces cysteine 106 with phenylalanine.
Molecular consequence: missense variant.
Genome position (GRCh38, 1-based): chr12:2,115,491, G>T. VCF-style: chr12-2115491-G-T. GRCh37 (hg19) VCF-style: chr12-2224657-G-T.
Other names: c.317G>T, p.Cys106Phe (NM_001129827.2, NM_001129829.2, NM_001129830.3 and 19 more transcripts); short protein forms C106F.
Identifiers: ClinVar variation 4745764 (VCV004745764.1).

ClinVar aggregate classification (germline): Uncertain significance (1 of 4 stars; one submission).

Conditions:
Long QT syndrome (LQTS). Identifiers: MedGen C0023976, MeSH D008133, MONDO:0002442. Disease mechanism: loss of function. Inheritance: Various modes of inheritance.

gnomAD v4.1: 1 of 1,613,536 alleles (0.000062%); highest among the groups gnomAD compares: Non-Finnish European, 0.000085%; no homozygotes.

Submission:

Labcorp Genetics (formerly Invitae), Labcorp
Classification: Uncertain significance for Long QT syndrome. Last evaluated: 2025-06-29. Review status: criteria provided, single submitter. Criteria: Invitae Variant Classification Sherloc (09022015). Collection method: clinical testing. Allele origin: germline.
Comment: This sequence change replaces cysteine, which is neutral and slightly polar, with phenylalanine, which is neutral and non-polar, at codon 106 of the CACNA1C protein (p.Cys106Phe). This variant is not present in population databases (gnomAD no frequency). This variant has not been reported in the literature in individuals affected with CACNA1C-related conditions. Invitae Evidence Modeling of protein sequence and biophysical properties (such as structural, functional, and spatial information, amino acid conservation, physicochemical variation, residue mobility, and thermodynamic stability) has been performed for this missense variant. However, the output from this modeling did not meet the statistical confidence thresholds required to predict the impact of this variant on CACNA1C protein function. In summary, the available evidence is currently insufficient to determine the role of this variant in disease. Therefore, it has been classified as a Variant of Uncertain Significance.